The following is an entry in ClinVar:

NM_000243.3(MEFV):c.1759+18G>A

Genes: MEFV (MEFV innate immunity regulator, pyrin; minus strand), LOC126862264 (CDK7 strongly-dependent group 2 enhancer GRCh37_chr16:3293322-3294521; plus strand). Cytogenetic location: 16p13.3.
Variant type: single nucleotide variant.
Coding change: c.1759+18G>A on transcript NM_000243.3 (MANE Select); 18 bases into the intron after coding-DNA position 1759, G replaced by A.
Molecular consequence: intron variant.
Genome position (GRCh38, 1-based): chr16:3,244,236, C>T on the plus strand (G>A on the coding strand, the complement: MEFV is on the minus strand). VCF-style: chr16-3244236-C-T. GRCh37 (hg19) VCF-style: chr16-3294236-C-T.
Other names: c.1126+18G>A (NM_001198536.2).
Identifiers: ClinVar variation 510713 (VCV000510713.1), dbSNP rs1448820200, ClinGen allele CA658798519.

ClinVar aggregate classification (germline): Likely benign (1 of 4 stars; one submission).

Allele frequency attached by ClinVar (database versions not stated): gnomAD 0.00001; gnomAD exomes 0.00001; TOPMed 0.00001.

Submission:

GeneDx
Classification: Likely benign. Last evaluated: 2017-07-05. Review status: criteria provided, single submitter. Criteria: GeneDx Variant Classification (06012015). Collection method: clinical testing. Allele origin: germline. Affected: yes.
Comment: This variant is considered likely benign or benign based on one or more of the following criteria: it is a conservative change, it occurs at a poorly conserved position in the protein, it is predicted to be benign by multiple in silico algorithms, and/or has population frequency not consistent with disease.